The following is an entry in ClinVar:

ClinVar aggregate classification (germline): Likely benign (0 of 4 stars; one submission).

Conditions:
NEBL-related disorder. Also called: NEBL-related condition.

Submission:

PreventionGenetics, part of Exact Sciences
Classification: Likely benign for NEBL-related condition. Last evaluated: 2024-09-01. Review status: no assertion criteria provided. Collection method: clinical testing. Allele origin: germline.
Comment: This variant is classified as likely benign based on ACMG/AMP sequence variant interpretation guidelines (Richards et al. 2015 PMID: 25741868, with internal and published modifications).

NM_213569.2(NEBL):c.294C>T (p.Phe98=)

Gene: NEBL (nebulette; minus strand). Cytogenetic location: 10p12.31.
Variant type: single nucleotide variant.
Coding change: c.294C>T on transcript NM_213569.2; coding-DNA position 294, C replaced by T.
Protein change: p.Phe98=; no amino-acid change (phenylalanine 98 retained).
Molecular consequence: synonymous variant.
Genome position (GRCh38, 1-based): chr10:20,961,735, G>A on the plus strand (C>T on the coding strand, the complement: NEBL is on the minus strand). VCF-style: chr10-20961735-G-A. GRCh37 (hg19) VCF-style: chr10-21250664-G-A.
Other names: c.294C>T, p.Phe98= (NM_001173484.2, NM_001377322.1); c.246C>T, p.Phe82= (NM_001377323.1); c.237C>T, p.Phe79= (NM_001377324.1); c.228C>T, p.Phe76= (NM_001377325.1); c.186C>T, p.Phe62= (NM_001377326.1, NM_001377327.1, NM_001377328.1).
Identifiers: ClinVar variation 3346402 (VCV003346402.1).